The following is an entry in ClinVar:

NM_001329943.3(KIAA0586):c.3980A>G (p.Tyr1327Cys)

Gene: KIAA0586 (KIAA0586; plus strand). Cytogenetic location: 14q23.1.
Variant type: single nucleotide variant.
Coding change: c.3980A>G on transcript NM_001329943.3 (MANE Select); coding-DNA position 3980, A replaced by G.
Protein change: p.Tyr1327Cys; replaces tyrosine 1327 with cysteine.
Molecular consequence: missense variant. On other transcripts: intron variant (1).
Genome position (GRCh38, 1-based): chr14:58,492,265, A>G. VCF-style: chr14-58492265-A-G. GRCh37 (hg19) VCF-style: chr14-58958983-A-G.
Other names: c.4139A>G, p.Tyr1380Cys (NM_001244189.2); c.3935A>G, p.Tyr1312Cys (NM_001244190.2); c.3725A>G, p.Tyr1242Cys (NM_001244191.2, NM_001329945.2, NM_001364700.1 and 1 more transcripts); c.3848A>G, p.Tyr1283Cys (NM_001244192.2); c.3560A>G, p.Tyr1187Cys (NM_001244193.2); c.3980A>G, p.Tyr1327Cys (NM_001329944.2, NM_001329946.2); c.3752A>G, p.Tyr1251Cys (NM_014749.5); c.3858+2025A>G (NM_001329947.2); and 1 more; short protein forms Y1327C, Y1187C, Y1312C, Y1242C, Y1380C, Y1251C, Y1283C.
Identifiers: ClinVar variation 650917 (VCV000650917.6), dbSNP rs201929144, ClinGen allele CA7206292.

ClinVar aggregate classification (germline): Conflicting classifications of pathogenicity. Review status: criteria provided, conflicting classifications (1 of 4 stars). 3 submissions from 3 submitters: Uncertain significance (1); Benign (1); Likely benign (1). Last evaluated 2024-02-28.

Conditions:
Joubert syndrome 23 (JBTS23). Identifiers: Orphanet 475, MedGen C4084822, MONDO:0014664, OMIM 616490.
Short-rib thoracic dysplasia 14 with polydactyly (SRTD14). Identifiers: Orphanet 397715, MedGen C4225286, MONDO:0014688, OMIM 616546.
Inborn genetic diseases. Identifiers: MedGen C0950123, MeSH D030342.

Allele frequency attached by ClinVar (database versions not stated): TOPMed 0.00005; gnomAD exomes 0.00007 and 0.00009; ExAC 0.00009; gnomAD 0.00012 and 0.00014; 1000 Genomes Project 30x 0.00016; 1000 Genomes Project 0.00020.
gnomAD v4.1: 139 of 1,548,210 alleles (0.009%); highest among the groups gnomAD compares: Middle Eastern, 0.017%; no homozygotes.

Submissions (3):

Ambry Genetics
Classification: Likely benign for Inborn genetic diseases. Last evaluated: 2024-02-28. Review status: criteria provided, single submitter. Criteria: Ambry Variant Classification Scheme 2023. Collection method: clinical testing. Allele origin: germline.

Blueprint Genetics
Classification: Benign. Last evaluated: 2023-01-25. Review status: criteria provided, single submitter. Criteria: ACMG Guidelines, 2015. Collection method: clinical testing. Allele origin: germline.

Labcorp Genetics (formerly Invitae), Labcorp
Classification: Uncertain significance for Joubert syndrome 23; Short-rib thoracic dysplasia 14 with polydactyly. Last evaluated: 2022-09-13. Review status: criteria provided, single submitter. Criteria: Invitae Variant Classification Sherloc (09022015). Collection method: clinical testing. Allele origin: germline.
Comment: This sequence change replaces tyrosine, which is neutral and polar, with cysteine, which is neutral and slightly polar, at codon 1380 of the KIAA0586 protein (p.Tyr1380Cys). This variant is present in population databases (rs201929144, gnomAD 0.05%). This variant has not been reported in the literature in individuals affected with KIAA0586-related conditions. ClinVar contains an entry for this variant (Variation ID: 650917). Advanced modeling of protein sequence and biophysical properties (such as structural, functional, and spatial information, amino acid conservation, physicochemical variation, residue mobility, and thermodynamic stability) performed at Invitae indicates that this missense variant is not expected to disrupt KIAA0586 protein function. In summary, the available evidence is currently insufficient to determine the role of this variant in disease. Therefore, it has been classified as a Variant of Uncertain Significance.